The following is an entry in ClinVar:

ClinVar aggregate classification (germline): Uncertain significance. Review status: criteria provided, multiple submitters, no conflicts (2 of 4 stars). 3 submissions from 3 submitters: Uncertain significance (3). Last evaluated 2025-03-03.

Conditions:
Hereditary diffuse gastric adenocarcinoma (HDGC). Also called: DIFFUSE GASTRIC AND LOBULAR BREAST CANCER SYNDROME. Identifiers: Orphanet 26106, MedGen C1708349, MONDO:0007648, OMIM 137215.
Hereditary cancer-predisposing syndrome. Also called: Hereditary Cancer Syndrome; Hereditary neoplastic syndrome; Neoplastic Syndromes, Hereditary; Tumor predisposition. Identifiers: Orphanet 140162, MedGen C0027672, MeSH D009386, MONDO:0015356.

Submissions (3):

Ambry Genetics
Classification: Uncertain significance for Hereditary cancer-predisposing syndrome. Last evaluated: 2025-03-03. Review status: criteria provided, single submitter. Criteria: Ambry Variant Classification Scheme 2023. Collection method: clinical testing. Allele origin: germline.
Comment: The p.M282V variant (also known as c.844A>G), located in coding exon 7 of the CDH1 gene, results from an A to G substitution at nucleotide position 844. The methionine at codon 282 is replaced by valine, an amino acid with highly similar properties. This amino acid position is well conserved in available vertebrate species. In addition, this alteration is predicted to be deleterious by in silico analysis. Based on the available evidence, the clinical significance of this variant remains unclear.

Women's Health and Genetics/Laboratory Corporation of America, LabCorp
Classification: Uncertain significance. Last evaluated: 2022-10-17. Review status: criteria provided, single submitter. Criteria: LabCorp Variant Classification Summary - May 2015. Collection method: clinical testing. Allele origin: germline.

Labcorp Genetics (formerly Invitae), Labcorp
Classification: Uncertain significance for Hereditary diffuse gastric adenocarcinoma. Last evaluated: 2022-02-11. Review status: criteria provided, single submitter. Criteria: Invitae Variant Classification Sherloc (09022015). Collection method: clinical testing. Allele origin: germline.
Comment: This variant has not been reported in the literature in individuals affected with CDH1-related conditions. In summary, the available evidence is currently insufficient to determine the role of this variant in disease. Therefore, it has been classified as a Variant of Uncertain Significance. Algorithms developed to predict the effect of missense changes on protein structure and function are either unavailable or do not agree on the potential impact of this missense change (SIFT: "Deleterious"; PolyPhen-2: "Possibly Damaging"; Align-GVGD: "Class C0"). This variant is not present in population databases (gnomAD no frequency). This sequence change replaces methionine, which is neutral and non-polar, with valine, which is neutral and non-polar, at codon 282 of the CDH1 protein (p.Met282Val).

NM_004360.5(CDH1):c.844A>G (p.Met282Val)

Gene: CDH1 (cadherin 1; plus strand). Cytogenetic location: 16q22.1.
Variant type: single nucleotide variant.
Coding change: c.844A>G on transcript NM_004360.5 (MANE Select); coding-DNA position 844, A replaced by G.
Protein change: p.Met282Val; replaces methionine 282 with valine.
Molecular consequence: missense variant. On other transcripts: 5 prime UTR variant (2).
Genome position (GRCh38, 1-based): chr16:68,811,695, A>G. VCF-style: chr16-68811695-A-G. GRCh37 (hg19) VCF-style: chr16-68845598-A-G.
Other names: c.844A>G, p.Met282Val (NM_001317184.2); c.-772A>G (NM_001317185.2); c.-976A>G (NM_001317186.2); short protein forms M282V.
Identifiers: ClinVar variation 1723329 (VCV001723329.7), dbSNP rs2152131895, ClinGen allele CA396459558.